The following is an entry in ClinVar:

NM_001365276.2(TNXB):c.3174G>T (p.Lys1058Asn)

Gene: TNXB (tenascin XB; minus strand). Cytogenetic location: 6p21.33.
Variant type: single nucleotide variant.
Coding change: c.3174G>T on transcript NM_001365276.2 (MANE Select); coding-DNA position 3174, G replaced by T.
Protein change: p.Lys1058Asn; replaces lysine 1058 with asparagine.
Molecular consequence: missense variant.
Genome position (GRCh38, 1-based): chr6:32,084,684, C>A on the plus strand (G>T on the coding strand, the complement: TNXB is on the minus strand). VCF-style: chr6-32084684-C-A. GRCh37 (hg19) VCF-style: chr6-32052461-C-A.
Other names: c.3915G>T, p.Lys1305Asn (NM_001428335.1); c.3174G>T, p.Lys1058Asn (NM_019105.8); short protein forms K1058N, K1305N.
Identifiers: ClinVar variation 5004816 (VCV005004816.1).

ClinVar aggregate classification (germline): Uncertain significance (1 of 4 stars; one submission).

Conditions:
Ehlers-Danlos syndrome due to tenascin-X deficiency (EDSCLL1). Also called: EHLERS-DANLOS SYNDROME, CLASSIC-LIKE; Ehlers-Danlos syndrome, classic-like, 1; EDS DUE TO TNX DEFICIENCY; TNX DEFICIENCY; TNXB-Related Classical-Like Ehlers-Danlos Syndrome. Identifiers: Orphanet 230839, MedGen C1848029, MONDO:0011670, OMIM 606408.

Submission:

Myriad Genetics, Inc.
Classification: Uncertain significance for Ehlers-Danlos syndrome due to tenascin-X deficiency. Last evaluated: 2026-07-27. Review status: criteria provided, single submitter. Criteria: Myriad Autosomal Dominant, Autosomal Recessive and X-Linked Classification Criteria (2023). Collection method: clinical testing. Allele origin: unknown.
Comment: NM_019105.6(TNXB):c.3174G>T(K1058N) is a missense variant classified as a variant of uncertain significance in the context of classical-like Ehlers-Danlos syndrome, TNXB-related. K1058N has not been observed in cases with relevant disease. Relevant functional assessments of this variant are not available in the literature. K1058N has not been observed in referenced population frequency databases. In summary, there is insufficient evidence to classify NM_019105.6(TNXB):c.3174G>T(K1058N) as pathogenic or benign. Please note: this variant was assessed in the context of healthy population screening.